The following is an entry in ClinVar:

NM_080425.4(GNAS):c.1744G>A (p.Asp582Asn)

Gene: GNAS (GNAS complex locus; plus strand). Cytogenetic location: 20q13.32.
Variant type: single nucleotide variant.
Coding change: c.1744G>A on transcript NM_080425.4 (MANE Plus Clinical); coding-DNA position 1744, G replaced by A.
Protein change: p.Asp582Asn; replaces aspartic acid 582 with asparagine.
Molecular consequence: missense variant. On other transcripts: synonymous variant (2), intron variant (3).
Genome position (GRCh38, 1-based): chr20:58,855,009, G>A. VCF-style: chr20-58855009-G-A. GRCh37 (hg19) VCF-style: chr20-57430064-G-A.
Other names: c.1557G>A, p.Pro519= (NM_001077490.3, NM_001309883.1); c.1744G>A, p.Asp582Asn (NM_001410913.1); c.*42+14123G>A (NM_016592.5); c.43+14123G>A (NM_001410912.1); c.-39+13134G>A (NM_001309861.2); short protein forms D582N.
Identifiers: ClinVar variation 4977370 (VCV004977370.1).

ClinVar aggregate classification (germline): Uncertain significance (1 of 4 stars; one submission).

Conditions:
GNAS-related disorder. Identifiers: MedGen CN380105.

gnomAD v4.1: 15 of 1,612,686 alleles (0.00093%); highest among the groups gnomAD compares: South Asian, 0.0099%; 1 homozygote.

Submission:

PreventionGenetics, part of Exact Sciences
Classification: Uncertain significance for GNAS-related condition. Last evaluated: 2025-12-26. Review status: criteria provided, single submitter. Criteria: ACMG Guidelines, 2015. Collection method: clinical testing. Allele origin: germline.
Comment: The GNAS c.1744G>A variant is predicted to result in the amino acid substitution p.Asp582Asn. To our knowledge, this variant has not been reported in the literature. On an alternate transcript (NM_000516) this variant is referred to as c.-36718G>A (Pre-Coding). To our knowledge, only large deletions in the above region are conclusively pathogenic for pseudohypoparathyroidism type-Ib (PHP-Ib) due to methylation defects (Turan and Bastepe. 2015. PubMed ID: 25851935). Although, in some studies single nucleotide variants (SNVs) within this region have been reported in related diseases, the pathogenicity of these variants is still uncertain (see for example in Table 3 of Long et al. 2018. PubMed ID: 30022773). This variant is reported in 0.0098% of alleles in individuals of South Asian descent in gnomAD. At this time, the clinical significance of this variant is uncertain due to the absence of conclusive functional and genetic evidence.